The following is an entry in ClinVar:

NM_000834.5(GRIN2B):c.2662A>G (p.Thr888Ala)

Gene: GRIN2B (glutamate ionotropic receptor NMDA type subunit 2B; minus strand). Cytogenetic location: 12p13.1.
Variant type: single nucleotide variant.
Coding change: c.2662A>G on transcript NM_000834.5 (MANE Select); coding-DNA position 2662, A replaced by G.
Protein change: p.Thr888Ala; replaces threonine 888 with alanine.
Molecular consequence: missense variant.
Genome position (GRCh38, 1-based): chr12:13,564,576, T>C on the plus strand (A>G on the coding strand, the complement: GRIN2B is on the minus strand). VCF-style: chr12-13564576-T-C. GRCh37 (hg19) VCF-style: chr12-13717510-T-C.
Other names: short protein forms T888A.
Identifiers: ClinVar variation 234694 (VCV000234694.15), dbSNP rs200256539, ClinGen allele CA10577441.
Genomic context (GRCh38, chr12:13,564,576, plus strand): 5'-TGTTCTTGGCCGTGCGCAGCAGGCGCAGGATGTTGGAGTGTGTGTTGTTCATGGTTGCGG[T>C]GGGGGAGTTCATTACAGACTGGCGCTCCTCGATCGCCACCCCATGGATGCAGCTGTAGAT-3'
Protein context (NP_000825.2, residues 878-898): EERQSVMNSP[Thr888Ala]ATMNNTHSNI

ClinVar aggregate classification (germline): Conflicting classifications of pathogenicity. Review status: criteria provided, conflicting classifications (1 of 4 stars). 4 submissions from 4 submitters: Uncertain significance (3); Likely benign (1). Last evaluated 2025-11-24.

Conditions:
Inborn genetic diseases. Identifiers: MedGen C0950123, MeSH D030342.
Intellectual developmental disorder, autosomal dominant 6, with or without seizures. Also called: Intellectual disability, autosomal dominant 6; GRIN2B-related developmental delay, intellectual disability and autism spectrum disorder. Identifiers: Orphanet 589547, MedGen C3151411, MONDO:0013509, OMIM 613970.
Developmental and epileptic encephalopathy, 27 (DEE27). Also called: Epileptic encephalopathy, early infantile, 27; GRIN2B-Related Neurodevelopmental Disorder. Identifiers: Orphanet 3451, MedGen C4015316, MONDO:0014505, OMIM 616139.

Allele frequency attached by ClinVar (database versions not stated): gnomAD exomes below 0.00001; TOPMed 0.00001.
gnomAD v4.1: 1 of 1,613,998 alleles (0.000062%); highest among the groups gnomAD compares: South Asian, 0.0011%; no homozygotes.

Submissions (4):

Labcorp Genetics (formerly Invitae), Labcorp
Classification: Likely benign for Developmental and epileptic encephalopathy, 27; Intellectual developmental disorder, autosomal dominant 6, with or without seizures. Last evaluated: 2025-11-24. Review status: criteria provided, single submitter. Criteria: Invitae Variant Classification Sherloc (09022015). Collection method: clinical testing. Allele origin: germline.

ARUP Laboratories, Molecular Genetics and Genomics, ARUP Laboratories
Classification: Uncertain significance. Last evaluated: 2024-09-16. Review status: criteria provided, single submitter. Criteria: ARUP Molecular Germline Variant Investigation Process 2024. Collection method: clinical testing. Allele origin: germline.

Ambry Genetics
Classification: Uncertain significance for Inborn genetic diseases. Last evaluated: 2022-06-24. Review status: criteria provided, single submitter. Criteria: Ambry Variant Classification Scheme 2023. Collection method: clinical testing. Allele origin: germline.

GeneDx
Classification: Uncertain significance. Last evaluated: 2015-12-15. Review status: criteria provided, single submitter. Criteria: GeneDx Variant Classification (06012015). Collection method: clinical testing. Allele origin: germline. Affected: yes.
Comment: The T888A variant has not been published as a pathogenic variant, nor has it been reported as a benign variant to our knowledge. It was not observed in approximately 6,500 individuals of European and African American ancestry in the NHLBI Exome Sequencing Project, indicating it is not a common benign variant in these populations. The T888A variant is a non-conservative amino acid substitution, which is likely to impact secondary protein structure as these residues differ in polarity, charge, size, and/or other properties. This substitution occurs at a position where amino acids with similar properties to Threonine are tolerated across species. In silico analysis is inconsistent in its predictions as to whether or not the variant is damaging to the protein structure/function. Based on the currently available information, it is unclear whether this variant is a pathogenic variant or a rare benign variant.